The following is an entry in ClinVar:

ClinVar aggregate classification (germline): Benign/Likely benign. Review status: criteria provided, multiple submitters, no conflicts (2 of 4 stars). 6 submissions from 6 submitters: Benign (1); Likely benign (3). 2 of the submissions do not count toward it. Last evaluated 2026-01-20.

Conditions:
NDUFV1-related disorder. Also called: NDUFV1-related condition; NDUFV1-related disorders.

Allele frequency attached by ClinVar (database versions not stated): gnomAD 0.00047 and 0.00048; TOPMed 0.00052; ESP Exome Variant Server 0.00069.
gnomAD v4.1: 836 of 1,613,464 alleles (0.052%); highest among the groups gnomAD compares: Admixed American, 0.15%; no homozygotes.

Submissions (6):

Labcorp Genetics (formerly Invitae), Labcorp
Classification: Likely benign. Last evaluated: 2026-01-20. Review status: criteria provided, single submitter. Criteria: Invitae Variant Classification Sherloc (09022015). Collection method: clinical testing. Allele origin: germline.

Blueprint Genetics
Classification: Likely benign. Last evaluated: 2024-09-23. Review status: criteria provided, single submitter. Criteria: ACMG Guidelines, 2015. Collection method: clinical testing. Allele origin: germline.

CeGaT Center for Human Genetics Tuebingen
Classification: Likely benign. Last evaluated: 2023-01-01. Review status: criteria provided, single submitter. Criteria: CeGaT Center For Human Genetics Tuebingen Variant Classification Criteria Version 2. Collection method: clinical testing. Allele origin: germline. Affected: yes. Observed: 2 variant alleles.
Comment: NDUFV1: BP4, BP7

GeneDx
Classification: Benign. Last evaluated: 2014-04-28. Review status: criteria provided, single submitter. Criteria: GeneDx Variant Classification (06012015). Collection method: clinical testing. Allele origin: germline. Affected: yes.
Comment: This variant is considered likely benign or benign based on one or more of the following criteria: it is a conservative change, it occurs at a poorly conserved position in the protein, it is predicted to be benign by multiple in silico algorithms, and/or has population frequency not consistent with disease.

PreventionGenetics, part of Exact Sciences
Classification: Likely benign for NDUFV1-related condition. Last evaluated: 2019-05-22. Review status: no assertion criteria provided. Collection method: clinical testing. Allele origin: germline. Not counted in ClinVar's aggregate classification.
Comment: This variant is classified as likely benign based on ACMG/AMP sequence variant interpretation guidelines (Richards et al. 2015 PMID: 25741868, with internal and published modifications).

Mayo Clinic Laboratories, Mayo Clinic
Classification: Likely benign. Last evaluated: 2016-02-23. Review status: no assertion criteria provided. Collection method: clinical testing. Allele origin: unknown. Not counted in ClinVar's aggregate classification.

NM_007103.4(NDUFV1):c.348C>T (p.Asn116=)

Gene: NDUFV1 (NADH:ubiquinone oxidoreductase core subunit V1; plus strand). Cytogenetic location: 11q13.2.
Variant type: single nucleotide variant.
Coding change: c.348C>T on transcript NM_007103.4 (MANE Select); coding-DNA position 348, C replaced by T.
Protein change: p.Asn116=; no amino-acid change (asparagine 116 retained).
Molecular consequence: synonymous variant.
Genome position (GRCh38, 1-based): chr11:67,609,473, C>T. VCF-style: chr11-67609473-C-T. GRCh37 (hg19) VCF-style: chr11-67376944-C-T.
Other names: p.N116N:AAC>AAT; c.321C>T, p.Asn107= (NM_001166102.2).
Identifiers: ClinVar variation 138500 (VCV000138500.48), dbSNP rs139824241, ClinGen allele CA292515.